The following is an entry in ClinVar:

ClinVar aggregate classification (germline): Uncertain significance (1 of 4 stars; one submission).

Conditions:
Kabuki syndrome. Also called: NIIKAWA-KUROKI SYNDROME; Kabuki make-up syndrome. Identifiers: Orphanet 2322, MedGen C0796004, MONDO:0016512.

Allele frequency attached by ClinVar (database versions not stated): TOPMed below 0.00001; gnomAD 0.00001.

Submission:

Labcorp Genetics (formerly Invitae), Labcorp
Classification: Uncertain significance for Kabuki syndrome. Last evaluated: 2024-10-24. Review status: criteria provided, single submitter. Criteria: Invitae Variant Classification Sherloc (09022015). Collection method: clinical testing. Allele origin: germline.
Comment: This sequence change replaces alanine, which is neutral and non-polar, with valine, which is neutral and non-polar, at codon 1737 of the KMT2D protein (p.Ala1737Val). This variant is not present in population databases (gnomAD no frequency). This variant has not been reported in the literature in individuals affected with KMT2D-related conditions. ClinVar contains an entry for this variant (Variation ID: 1395274). Invitae Evidence Modeling of protein sequence and biophysical properties (such as structural, functional, and spatial information, amino acid conservation, physicochemical variation, residue mobility, and thermodynamic stability) indicates that this missense variant is not expected to disrupt KMT2D protein function with a negative predictive value of 95%. In summary, the available evidence is currently insufficient to determine the role of this variant in disease. Therefore, it has been classified as a Variant of Uncertain Significance.

NM_003482.4(KMT2D):c.5210C>T (p.Ala1737Val)

Gene: KMT2D (lysine methyltransferase 2D; minus strand). Cytogenetic location: 12q13.12.
Variant type: single nucleotide variant.
Coding change: c.5210C>T on transcript NM_003482.4 (MANE Select); coding-DNA position 5210, C replaced by T.
Protein change: p.Ala1737Val; replaces alanine 1737 with valine.
Molecular consequence: missense variant.
Genome position (GRCh38, 1-based): chr12:49,043,977, G>A on the plus strand (C>T on the coding strand, the complement: KMT2D is on the minus strand). VCF-style: chr12-49043977-G-A. GRCh37 (hg19) VCF-style: chr12-49437760-G-A.
Other names: short protein forms A1737V.
Identifiers: ClinVar variation 1395274 (VCV001395274.6), dbSNP rs1943665263, ClinGen allele CA384635433.